The following is an entry in ClinVar:

ClinVar aggregate classification (germline): Uncertain significance (1 of 4 stars; one submission).

Submission:

Women's Health and Genetics/Laboratory Corporation of America, LabCorp
Classification: Uncertain significance. Last evaluated: 2026-06-11. Review status: criteria provided, single submitter. Criteria: LabCorp Variant Classification Summary - May 2015. Collection method: clinical testing. Allele origin: germline.
Comment: Variant summary: GRIN2D c.3697C>T (p.Pro1233Ser) results in a non-conservative amino acid change in the encoded protein sequence. Algorithms developed to predict the effect of missense changes on protein structure and function are either unavailable or do not agree on the potential impact of this missense change. The frequency data for this variant in gnomAD is considered unreliable, as metrics indicate poor data quality at this position. To our knowledge, no occurrence of c.3697C>T in individuals affected with GRIN2D-related conditions and no experimental evidence demonstrating its impact on protein function have been reported. No submitters have cited clinical-significance assessments for this variant to ClinVar. Based on the evidence outlined above, the variant was classified as uncertain significance.

NM_000836.4(GRIN2D):c.3697C>T (p.Pro1233Ser)

Gene: GRIN2D (glutamate ionotropic receptor NMDA type subunit 2D; plus strand). Cytogenetic location: 19q13.33.
Variant type: single nucleotide variant.
Coding change: c.3697C>T on transcript NM_000836.4 (MANE Select); coding-DNA position 3697, C replaced by T.
Protein change: p.Pro1233Ser; replaces proline 1233 with serine.
Molecular consequence: missense variant.
Genome position (GRCh38, 1-based): chr19:48,443,623, C>T. VCF-style: chr19-48443623-C-T. GRCh37 (hg19) VCF-style: chr19-48946880-C-T.
Other names: short protein forms P1233S.
Identifiers: ClinVar variation 4887321 (VCV004887321.1).
Genomic context (GRCh38, chr19:48,443,623, plus strand): 5'-CCCTGGGCCGCCGGGCCCCTGCCCCGACGCCGGGCCCGCTGCGGGTGCCCGCGGTCGCAC[C>T]CGCACCGCCCGCGGGCCTCGCACCGCACGCCCGCCGCCGCCGCGCCCCACCACCACAGGC-3'
Protein context (NP_000827.2, residues 1223-1243): RARCGCPRSH[Pro1233Ser]HRPRASHRTP